The following is an entry in ClinVar:

NM_000124.4(ERCC6):c.*118A>C

Gene: ERCC6 (ERCC excision repair 6, chromatin remodeling factor; minus strand). Cytogenetic location: 10q11.23.
Variant type: single nucleotide variant.
Coding change: c.*118A>C on transcript NM_000124.4 (MANE Select); 118 bases downstream of the stop codon, A replaced by C.
Molecular consequence: 3 prime UTR variant.
Genome position (GRCh38, 1-based): chr10:49,458,697, T>G on the plus strand (A>C on the coding strand, the complement: ERCC6 is on the minus strand). VCF-style: chr10-49458697-T-G. GRCh37 (hg19) VCF-style: chr10-50666743-T-G.
Other names: c.*118A>C (NM_001346440.2).
Identifiers: ClinVar variation 300030 (VCV000300030.6), dbSNP rs4253233, ClinGen allele CA10628637.

ClinVar aggregate classification (germline): Likely benign. Review status: criteria provided, multiple submitters, no conflicts (2 of 4 stars). 4 submissions from 2 submitters: Likely benign (4). Last evaluated 2017-04-27.

Conditions:
Cerebrooculofacioskeletal syndrome 1 (COFS1). Also called: Cerebro-oculo-facio-skeletal syndrome 1. Identifiers: MedGen C0220722, MONDO:0008955, OMIM 214150.
Cockayne syndrome type 2 (CSB). Also called: Cockayne Syndrome, Type II; COCKAYNE SYNDROME B. Identifiers: Orphanet 191, Orphanet 90322, MedGen C0751038, MONDO:0019570, OMIM 133540.
Age related macular degeneration 5. Identifiers: MedGen C3151063, MONDO:0013409, OMIM 613761.

Allele frequency attached by ClinVar (database versions not stated): gnomAD 0.00201 and 0.00210; TOPMed 0.00417; 1000 Genomes Project 0.00599; 1000 Genomes Project 30x 0.00671.
gnomAD v4.1: 2,009 of 996,708 alleles (0.2%); highest among the groups gnomAD compares: Admixed American, 3.6%; 51 homozygotes.

Submissions (4):

Illumina Laboratory Services, Illumina
Classification: Likely benign for Cockayne syndrome type 2. Last evaluated: 2017-04-27. Review status: criteria provided, single submitter. Criteria: ICSL Variant Classification Criteria 13 December 2019. Collection method: clinical testing. Allele origin: germline.
Comment: This variant was observed as part of a predisposition screen in an ostensibly healthy population. A literature search was performed for the gene, cDNA change, and amino acid change (where applicable). No publications were found based on this search. Allele frequency data from public databases allowed determination this variant is unlikely to cause disease. Therefore, this variant is classified as likely benign.

Illumina Laboratory Services, Illumina
Classification: Likely benign for Age related macular degeneration 5. Last evaluated: 2017-04-27. Review status: criteria provided, single submitter. Criteria: ICSL Variant Classification Criteria 13 December 2019. Collection method: clinical testing. Allele origin: germline.
Comment: the same text as in the submission from Illumina Laboratory Services, Illumina above.

Illumina Laboratory Services, Illumina
Classification: Likely benign for Cerebrooculofacioskeletal syndrome 1. Last evaluated: 2017-04-27. Review status: criteria provided, single submitter. Criteria: ICSL Variant Classification Criteria 13 December 2019. Collection method: clinical testing. Allele origin: germline.
Comment: the same text as in the submission from Illumina Laboratory Services, Illumina above.

Breakthrough Genomics
Classification: Likely benign. Review status: criteria provided, single submitter. Criteria: ACMG Guidelines, 2015. Collection method: not provided. Allele origin: germline. Inheritance: Autosomal recessive inheritance. Affected: yes.